The following is an entry in ClinVar:

NM_001145860.2(POP1):c.418C>T (p.Arg140Ter)

Gene: POP1 (POP1 ribonuclease P/MRP subunit; plus strand). Cytogenetic location: 8q22.2.
Variant type: single nucleotide variant.
Coding change: c.418C>T on transcript NM_001145860.2 (MANE Select); coding-DNA position 418, C replaced by T.
Protein change: p.Arg140Ter; replaces arginine 140 with a stop codon.
Molecular consequence: nonsense.
Genome position (GRCh38, 1-based): chr8:98,128,472, C>T. VCF-style: chr8-98128472-C-T. GRCh37 (hg19) VCF-style: chr8-99140700-C-T.
Other names: c.418C>T, p.Arg140Ter (NM_001145861.2, NM_015029.3); short protein forms R140*.
Identifiers: ClinVar variation 1923089 (VCV001923089.5), dbSNP rs199760739, ClinGen allele CA4820305.

ClinVar aggregate classification (germline): Pathogenic (1 of 4 stars; one submission).

Allele frequency attached by ClinVar (database versions not stated): gnomAD exomes below 0.00001; ExAC 0.00001; gnomAD 0.00003; 1000 Genomes Project 30x 0.00016; 1000 Genomes Project 0.00020.
gnomAD v4.1: 8 of 1,613,916 alleles (0.0005%); highest among the groups gnomAD compares: African/African-American, 0.004%; no homozygotes.

Submission:

Labcorp Genetics (formerly Invitae), Labcorp
Classification: Pathogenic. Last evaluated: 2024-01-24. Review status: criteria provided, single submitter. Criteria: Invitae Variant Classification Sherloc (09022015). Collection method: clinical testing. Allele origin: germline.
Comment: This sequence change creates a premature translational stop signal (p.Arg140*) in the POP1 gene. It is expected to result in an absent or disrupted protein product. Loss-of-function variants in POP1 are known to be pathogenic (PMID: 21455487). This variant is present in population databases (rs199760739, gnomAD 0.008%). This variant has not been reported in the literature in individuals affected with POP1-related conditions. ClinVar contains an entry for this variant (Variation ID: 1923089). For these reasons, this variant has been classified as Pathogenic.

Literature cited by the submitters: PubMed 21455487.